The following is an entry in ClinVar:

NM_005026.5(PIK3CD):c.1689+5G>T

Gene: PIK3CD (phosphatidylinositol-4,5-bisphosphate 3-kinase catalytic subunit delta; plus strand). Cytogenetic location: 1p36.22.
Variant type: single nucleotide variant.
Coding change: c.1689+5G>T on transcript NM_005026.5 (MANE Select); 5 bases into the intron after coding-DNA position 1689, G replaced by T.
Molecular consequence: intron variant.
Genome position (GRCh38, 1-based): chr1:9,720,914, G>T. VCF-style: chr1-9720914-G-T. GRCh37 (hg19) VCF-style: chr1-9780972-G-T.
Other names: c.1686+5G>T (NM_001350234.2); c.1602+5G>T (NM_001350235.1).
Identifiers: ClinVar variation 3666723 (VCV003666723.2).
Genomic context (GRCh38, chr1:9,720,914, plus strand): 5'-CGCTAGCCCGGCTGCTGCTGGTCACCAAGTGGAACAAGCATGAGGATGTGGCCCAGGTGG[G>T]TGGGGAGGCGCACCTGGGGGCGGAGCTGGGGGCAGACCACAGCCTCTGGCTACCCACCAC-3'

ClinVar aggregate classification (germline): Uncertain significance (1 of 4 stars; one submission).

Conditions:
Immunodeficiency 14 (IMD14A). Also called: IMMUNODEFICIENCY 14A WITH LYMPHOPROLIFERATION, AUTOSOMAL DOMINANT; p110-DELTA-ACTIVATING MUTATION CAUSING SENESCENT T CELLS, LYMPHADENOPATHY, AND IMMUNODEFICIENCY; ACTIVATED PI3K-DELTA SYNDROME 1; Activated PI3K Delta Syndrome Type 1 (APDS1). Identifiers: Orphanet 397596, Orphanet 693661, MedGen C5907821, MONDO:0014222, OMIM 615513.

gnomAD v4.1: 18 of 1,581,118 alleles (0.0011%); highest among the groups gnomAD compares: East Asian, 0.032%; no homozygotes.

Submission:

Labcorp Genetics (formerly Invitae), Labcorp
Classification: Uncertain significance for Activated PI3K-delta syndrome. Last evaluated: 2025-10-17. Review status: criteria provided, single submitter. Criteria: Invitae Variant Classification Sherloc (09022015). Collection method: clinical testing. Allele origin: germline.
Comment: This sequence change falls in intron 13 of the PIK3CD gene. It does not directly change the encoded amino acid sequence of the PIK3CD protein. It affects a nucleotide within the consensus splice site. This variant is present in population databases (rs774523540, gnomAD 0.08%). This variant has not been reported in the literature in individuals affected with PIK3CD-related conditions. ClinVar contains an entry for this variant (Variation ID: 3666723). Variants that disrupt the consensus splice site are a relatively common cause of aberrant splicing (PMID: 17576681, 9536098). Algorithms developed to predict the effect of sequence changes on RNA splicing suggest that this variant is not likely to affect RNA splicing. In summary, the available evidence is currently insufficient to determine the role of this variant in disease. Therefore, it has been classified as a Variant of Uncertain Significance.

Literature cited by the submitters: PubMed 17576681; PubMed 9536098.